The following is an entry in ClinVar:

NM_001270508.2(TNFAIP3):c.751G>A (p.Gly251Ser)

Genes: TNFAIP3 (TNF alpha induced protein 3; plus strand), LOC126859807 (MED14-independent group 3 enhancer GRCh37_chr6:138196296-138197495; plus strand). Cytogenetic location: 6q23.3.
Variant type: single nucleotide variant.
Coding change: c.751G>A on transcript NM_001270508.2 (MANE Select); coding-DNA position 751, G replaced by A.
Protein change: p.Gly251Ser; replaces glycine 251 with serine.
Molecular consequence: missense variant.
Genome position (GRCh38, 1-based): chr6:137,876,112, G>A. VCF-style: chr6-137876112-G-A. GRCh37 (hg19) VCF-style: chr6-138197249-G-A.
Other names: c.751G>A, p.Gly251Ser (NM_001270507.2, NM_006290.4); short protein forms G251S.
Identifiers: ClinVar variation 2178424 (VCV002178424.4), dbSNP rs777456133, ClinGen allele CA4019494.

ClinVar aggregate classification (germline): Uncertain significance (1 of 4 stars; one submission).

Allele frequency attached by ClinVar (database versions not stated): ExAC 0.00001; gnomAD exomes 0.00001.
gnomAD v4.1: 13 of 1,614,094 alleles (0.00081%); highest among the groups gnomAD compares: Admixed American, 0.0017%; no homozygotes.

Submission:

Labcorp Genetics (formerly Invitae), Labcorp
Classification: Uncertain significance. Last evaluated: 2024-11-03. Review status: criteria provided, single submitter. Criteria: Invitae Variant Classification Sherloc (09022015). Collection method: clinical testing. Allele origin: germline.
Comment: This sequence change replaces glycine, which is neutral and non-polar, with serine, which is neutral and polar, at codon 251 of the TNFAIP3 protein (p.Gly251Ser). This variant is present in population databases (rs777456133, gnomAD 0.003%). This variant has not been reported in the literature in individuals affected with TNFAIP3-related conditions. ClinVar contains an entry for this variant (Variation ID: 2178424). Invitae Evidence Modeling of protein sequence and biophysical properties (such as structural, functional, and spatial information, amino acid conservation, physicochemical variation, residue mobility, and thermodynamic stability) has been performed for this missense variant. However, the output from this modeling did not meet the statistical confidence thresholds required to predict the impact of this variant on TNFAIP3 protein function. In summary, the available evidence is currently insufficient to determine the role of this variant in disease. Therefore, it has been classified as a Variant of Uncertain Significance.